The following is an entry in ClinVar:

ClinVar aggregate classification (germline): Likely benign. Review status: criteria provided, multiple submitters, no conflicts (2 of 4 stars). 2 submissions from 2 submitters: Likely benign (2). Last evaluated 2024-07-10.

Conditions:
Hypertrophic cardiomyopathy. Also called: HYPERTROPHIC MYOCARDIOPATHY. Identifiers: Orphanet 217569, MedGen C0007194, MeSH D002312, MONDO:0005045, HP:0001639.

Submissions (2):

All of Us Research Program, National Institutes of Health
Classification: Likely benign for Hypertrophic cardiomyopathy. Last evaluated: 2024-07-10. Review status: criteria provided, single submitter. Criteria: ACMG Guidelines, 2015. Collection method: clinical testing. Allele origin: germline. Inheritance: Autosomal dominant inheritance. Observed: 1 variant allele, 1 heterozygote.
Comment: This study involves interpretation of variants in research participants for the purpose of population health screening. Participant phenotype was not available at the time of variant classification. Additional details can be found in publication PMID: 35346344, PMCID: PMC8962531

Labcorp Genetics (formerly Invitae), Labcorp
Classification: Likely benign for Hypertrophic cardiomyopathy. Last evaluated: 2020-09-25. Review status: criteria provided, single submitter. Criteria: Invitae Variant Classification Sherloc (09022015). Collection method: clinical testing. Allele origin: germline.

NM_000256.3(MYBPC3):c.2946C>A (p.Thr982=)

Gene: MYBPC3 (myosin binding protein C3; minus strand). Cytogenetic location: 11p11.2.
Variant type: single nucleotide variant.
Coding change: c.2946C>A on transcript NM_000256.3 (MANE Select); coding-DNA position 2946, C replaced by A.
Protein change: p.Thr982=; no amino-acid change (threonine 982 retained).
Molecular consequence: synonymous variant.
Genome position (GRCh38, 1-based): chr11:47,333,970, G>T on the plus strand (C>A on the coding strand, the complement: MYBPC3 is on the minus strand). VCF-style: chr11-47333970-G-T. GRCh37 (hg19) VCF-style: chr11-47355521-G-T.
Identifiers: ClinVar variation 1106183 (VCV001106183.10), dbSNP rs2095879947, ClinGen allele CA474429195.